The following is an entry in ClinVar:

NM_000302.4(PLOD1):c.355C>A (p.Gln119Lys)

Gene: PLOD1 (procollagen-lysine,2-oxoglutarate 5-dioxygenase 1; plus strand). Cytogenetic location: 1p36.22.
Variant type: single nucleotide variant.
Coding change: c.355C>A on transcript NM_000302.4 (MANE Select); coding-DNA position 355, C replaced by A.
Protein change: p.Gln119Lys; replaces glutamine 119 with lysine.
Molecular consequence: missense variant.
Genome position (GRCh38, 1-based): chr1:11,950,409, C>A. VCF-style: chr1-11950409-C-A. GRCh37 (hg19) VCF-style: chr1-12010466-C-A.
Other names: c.496C>A, p.Gln166Lys (NM_001316320.2); short protein forms Q119K, Q166K.
Identifiers: ClinVar variation 1702260 (VCV001702260.6), dbSNP rs769620321, ClinGen allele CA597883.

ClinVar aggregate classification (germline): Uncertain significance. Review status: criteria provided, multiple submitters, no conflicts (2 of 4 stars). 3 submissions from 3 submitters: Uncertain significance (3). Last evaluated 2024-08-03.

Conditions:
Ehlers-Danlos syndrome (EDS). Identifiers: Orphanet 98249, MedGen C0013720, MONDO:0020066.
Familial thoracic aortic aneurysm and aortic dissection (TAAD). Also called: Thoracic aortic aneurysms and dissections. Identifiers: Orphanet 91387, MedGen C4707243, MONDO:0019625.

Allele frequency attached by ClinVar (database versions not stated): gnomAD 0.00001; ExAC 0.00002; gnomAD exomes 0.00002 and 0.00005; TOPMed 0.00003.
gnomAD v4.1: 71 of 1,614,006 alleles (0.0044%); highest among the groups gnomAD compares: Non-Finnish European, 0.0059%; no homozygotes.

Submissions (3):

Women's Health and Genetics/Laboratory Corporation of America, LabCorp
Classification: Uncertain significance. Last evaluated: 2024-08-03. Review status: criteria provided, single submitter. Criteria: LabCorp Variant Classification Summary - May 2015. Collection method: clinical testing. Allele origin: germline.

Genome Diagnostics Laboratory, The Hospital for Sick Children
Classification: Uncertain significance for Ehlers-Danlos syndrome. Last evaluated: 2021-12-24. Review status: criteria provided, single submitter. Criteria: ACMG Guidelines, 2015. Collection method: clinical testing. Allele origin: germline.

Ambry Genetics
Classification: Uncertain significance for Familial thoracic aortic aneurysm and aortic dissection. Last evaluated: 2020-08-04. Review status: criteria provided, single submitter. Criteria: Ambry Variant Classification Scheme 2023. Collection method: clinical testing. Allele origin: germline.
Comment: The p.Q119K variant (also known as c.355C>A), located in coding exon 4 of the PLOD1 gene, results from a C to A substitution at nucleotide position 355. The glutamine at codon 119 is replaced by lysine, an amino acid with similar properties. This amino acid position is well conserved in available vertebrate species. In addition, this alteration is predicted to be tolerated by in silico analysis. Since supporting evidence is limited at this time, the clinical significance of this alteration remains unclear.